The following is an entry in ClinVar:

ClinVar aggregate classification (germline): Likely pathogenic (1 of 4 stars; one submission).

Conditions:
3-methylcrotonyl-CoA carboxylase 1 deficiency (MCC1D). Also called: MCC 1 deficiency; 3 Alpha methylcrotonylglycinuria 1; MCCD TYPE 1; METHYLCROTONYLGLYCINURIA TYPE I. Identifiers: Orphanet 6, MedGen CN028786, MONDO:0008861, OMIM 210200.

gnomAD v4.1: 1 of 1,614,122 alleles (0.000062%); highest among the groups gnomAD compares: Non-Finnish European, 0.000085%; no homozygotes.

Submission:

Juno Genomics, Hangzhou Juno Genomics, Inc
Classification: Likely pathogenic for 3-methylcrotonyl-CoA carboxylase 1 deficiency. Review status: criteria provided, single submitter. Criteria: ACMG Guidelines, 2015. Collection method: clinical testing. Allele origin: germline.
Comment: Absent from controls (or at extremely low frequency if recessive) in Genome Aggregation Database.;Multiple lines of computational evidence support a deleterious effect on the gene or gene product.;Patient's phenotype or family history is highly specific for a disease with a single genetic etiology.

NM_020166.5(MCCC1):c.1135G>A (p.Gly379Ser)

Gene: MCCC1 (methylcrotonyl-CoA carboxylase subunit 1; minus strand). Cytogenetic location: 3q27.1.
Variant type: single nucleotide variant.
Coding change: c.1135G>A on transcript NM_020166.5 (MANE Select); coding-DNA position 1135, G replaced by A.
Protein change: p.Gly379Ser; replaces glycine 379 with serine.
Molecular consequence: missense variant. On other transcripts: non-coding transcript variant (2).
Genome position (GRCh38, 1-based): chr3:183,041,699, C>T on the plus strand (G>A on the coding strand, the complement: MCCC1 is on the minus strand). VCF-style: chr3-183041699-C-T. GRCh37 (hg19) VCF-style: chr3-182759487-C-T.
Other names: c.784G>A, p.Gly262Ser (NM_001293273.2); c.808G>A, p.Gly270Ser (NM_001363880.1); short protein forms G262S, G379S, G270S.
Identifiers: ClinVar variation 5006596 (VCV005006596.2).